The following is an entry in ClinVar:

NM_001378457.1(DMXL2):c.6965-4A>G

Gene: DMXL2 (Dmx like 2; minus strand). Cytogenetic location: 15q21.2.
Variant type: single nucleotide variant.
Coding change: c.6965-4A>G on transcript NM_001378457.1 (MANE Select); 4 bases into the intron before coding-DNA position 6965, A replaced by G.
Molecular consequence: intron variant.
Genome position (GRCh38, 1-based): chr15:51,474,596, T>C on the plus strand (A>G on the coding strand, the complement: DMXL2 is on the minus strand). VCF-style: chr15-51474596-T-C. GRCh37 (hg19) VCF-style: chr15-51766793-T-C.
Other names: c.4943-4A>G (NM_001378460.1); c.5054-4A>G (NM_001174117.3); c.6962-4A>G (NM_015263.5, NM_001378458.1, NM_001378462.1); c.6965-4A>G (NM_001378459.1, NM_001174116.3, NM_001378463.1 and 1 more transcripts); c.6722-4A>G (NM_001378464.1).
Identifiers: ClinVar variation 4822600 (VCV004822600.4).

ClinVar aggregate classification (germline): Uncertain significance (1 of 4 stars; one submission).

Submission:

CeGaT Center for Human Genetics Tuebingen
Classification: Uncertain significance. Last evaluated: 2026-03-01. Review status: criteria provided, single submitter. Criteria: CeGaT Center For Human Genetics Tuebingen Variant Classification Criteria Version 2. Collection method: clinical testing. Allele origin: germline. Affected: yes. Observed: 1 variant allele.
Comment: DMXL2: PM2, BP4